The following is an entry in ClinVar:

ClinVar aggregate classification (germline): Uncertain significance (1 of 4 stars; one submission).

Conditions:
ANKRD1-related dilated cardiomyopathy. Identifiers: MedGen CN119551.

Allele frequency attached by ClinVar (database versions not stated): gnomAD 0.00001; gnomAD exomes 0.00001.
gnomAD v4.1: 10 of 1,608,192 alleles (0.00062%); highest among the groups gnomAD compares: Non-Finnish European, 0.00085%; no homozygotes.

Submission:

Labcorp Genetics (formerly Invitae), Labcorp
Classification: Uncertain significance for ANKRD1-related dilated cardiomyopathy. Last evaluated: 2023-03-18. Review status: criteria provided, single submitter. Criteria: Invitae Variant Classification Sherloc (09022015). Collection method: clinical testing. Allele origin: germline.
Comment: This variant has not been reported in the literature in individuals affected with ANKRD1-related conditions. In summary, the available evidence is currently insufficient to determine the role of this variant in disease. Therefore, it has been classified as a Variant of Uncertain Significance. Advanced modeling of protein sequence and biophysical properties (such as structural, functional, and spatial information, amino acid conservation, physicochemical variation, residue mobility, and thermodynamic stability) performed at Invitae indicates that this missense variant is not expected to disrupt ANKRD1 protein function. This variant is present in population databases (no rsID available, gnomAD 0.0009%). This sequence change replaces serine, which is neutral and polar, with threonine, which is neutral and polar, at codon 79 of the ANKRD1 protein (p.Ser79Thr).

NM_014391.3(ANKRD1):c.235T>A (p.Ser79Thr)

Gene: ANKRD1 (ankyrin repeat domain 1; minus strand). Cytogenetic location: 10q23.31.
Variant type: single nucleotide variant.
Coding change: c.235T>A on transcript NM_014391.3 (MANE Select); coding-DNA position 235, T replaced by A.
Protein change: p.Ser79Thr; replaces serine 79 with threonine.
Molecular consequence: missense variant.
Genome position (GRCh38, 1-based): chr10:90,919,241, A>T on the plus strand (T>A on the coding strand, the complement: ANKRD1 is on the minus strand). VCF-style: chr10-90919241-A-T. GRCh37 (hg19) VCF-style: chr10-92678998-A-T.
Other names: short protein forms S79T.
Identifiers: ClinVar variation 2738486 (VCV002738486.3), dbSNP rs1028976027, ClinGen allele CA211424909.
Genomic context (GRCh38, chr10:90,919,241, plus strand): 5'-ATTTTTTCCTTTTCTTCAGTTGAATGATTATTTCAAGGTCTTCTAAATTTTCAAGCTTTG[A>T]TCTTTGTTCTAGTTTTTTCTTTTTGAGCTAAAAAAGAAATTCGTATTTCAAAAATATGGT-3'
Protein context (NP_055206.2, residues 69-89): ELKKKKLEQR[Ser79Thr]KLENLEDLEI